The following is an entry in ClinVar:

NM_018389.5(SLC35C1):c.254C>T (p.Thr85Met)

Gene: SLC35C1 (solute carrier family 35 member C1; plus strand). Cytogenetic location: 11p11.2.
Variant type: single nucleotide variant.
Coding change: c.254C>T on transcript NM_018389.5 (MANE Select); coding-DNA position 254, C replaced by T.
Protein change: p.Thr85Met; replaces threonine 85 with methionine.
Molecular consequence: missense variant.
Genome position (GRCh38, 1-based): chr11:45,806,055, C>T. VCF-style: chr11-45806055-C-T. GRCh37 (hg19) VCF-style: chr11-45827606-C-T.
Other names: c.215C>T, p.Thr72Met (NM_001145265.2, NM_001145266.2); short protein forms T72M, T85M.
Identifiers: ClinVar variation 844083 (VCV000844083.5), dbSNP rs150215024, ClinGen allele CA5958210.
Genomic context (GRCh38, chr11:45,806,055, plus strand): 5'-GCCCCTCCCTGCGGCTGGACACCCCCATCTTCGTCACCTTCTACCAGTGCCTGGTGACCA[C>T]GCTGCTGTGCAAAGGCCTCAGCGCTCTGGCCGCCTGCTGCCCTGGTGCCGTGGACTTCCC-3'
Protein context (NP_060859.4, residues 75-95): FVTFYQCLVT[Thr85Met]LLCKGLSALA

ClinVar aggregate classification (germline): Uncertain significance. Review status: criteria provided, multiple submitters, no conflicts (2 of 4 stars). 2 submissions from 2 submitters: Uncertain significance (2). Last evaluated 2023-10-31.

Conditions:
Leukocyte adhesion deficiency type II. Also called: CONGENITAL DISORDER OF GLYCOSYLATION, TYPE IIc; CDG IIc; Congenital disorder of glycosylation type 2C; CDG 2C; Leukocyte adhesion deficiency type 2; Rambam Hasharon syndrome. Identifiers: Orphanet 2968, Orphanet 99843, MedGen C0398739, MONDO:0009953, OMIM 266265.

Allele frequency attached by ClinVar (database versions not stated): gnomAD exomes 0.00005 and 0.00011; 1000 Genomes Project 30x 0.00016; ExAC 0.00018; 1000 Genomes Project 0.00020; ESP Exome Variant Server 0.00062; gnomAD 0.00062 and 0.00068; TOPMed 0.00066.
gnomAD v4.1: 172 of 1,613,332 alleles (0.011%); highest among the groups gnomAD compares: African/African-American, 0.2%; no homozygotes.

Submissions (2):

GeneDx
Classification: Uncertain significance. Last evaluated: 2023-10-31. Review status: criteria provided, single submitter. Criteria: GeneDx Variant Classification Process June 2021. Collection method: clinical testing. Allele origin: germline. Affected: yes.
Comment: In silico analysis supports that this missense variant does not alter protein structure/function; Has not been previously published as pathogenic or benign to our knowledge

Labcorp Genetics (formerly Invitae), Labcorp
Classification: Uncertain significance for Leukocyte adhesion deficiency type II. Last evaluated: 2022-06-09. Review status: criteria provided, single submitter. Criteria: Invitae Variant Classification Sherloc (09022015). Collection method: clinical testing. Allele origin: germline.
Comment: This sequence change replaces threonine, which is neutral and polar, with methionine, which is neutral and non-polar, at codon 85 of the SLC35C1 protein (p.Thr85Met). This variant is present in population databases (rs150215024, gnomAD 0.2%). This variant has not been reported in the literature in individuals affected with SLC35C1-related conditions. ClinVar contains an entry for this variant (Variation ID: 844083). Algorithms developed to predict the effect of missense changes on protein structure and function (SIFT, PolyPhen-2, Align-GVGD) all suggest that this variant is likely to be tolerated. In summary, the available evidence is currently insufficient to determine the role of this variant in disease. Therefore, it has been classified as a Variant of Uncertain Significance.